The following is an entry in ClinVar:

ClinVar aggregate classification (germline): Uncertain significance (1 of 4 stars; one submission).

Conditions:
Monogenic diabetes. Identifiers: Orphanet 183625, MedGen C3888631, MONDO:0015967.

Submission:

Personalized Diabetes Medicine Program, University of Maryland School of Medicine
Classification: Uncertain significance for Monogenic diabetes. Last evaluated: 2017-08-01. Review status: criteria provided, single submitter. Criteria: ACMG Guidelines, 2015. Collection method: research. Allele origin: unknown. Observed: 1 variant allele, 1 heterozygote. Study: Personalized Diabetes Medicine Program.
Comment: ACMG Criteria:PP3 (4 predictors), BP4 (5 predictors), PM2 (absent in database)

NM_000545.8(HNF1A):c.152G>T (p.Gly51Val)

Gene: HNF1A (HNF1 homeobox A; plus strand). Cytogenetic location: 12q24.31.
Variant type: single nucleotide variant.
Coding change: c.152G>T on transcript NM_000545.8 (MANE Select); coding-DNA position 152, G replaced by T.
Protein change: p.Gly51Val; replaces glycine 51 with valine.
Molecular consequence: missense variant.
Genome position (GRCh38, 1-based): chr12:120,978,920, G>T. VCF-style: chr12-120978920-G-T. GRCh37 (hg19) VCF-style: chr12-121416723-G-T.
Other names: c.152G>T, p.Gly51Val (NM_001306179.2); short protein forms G51V.
Identifiers: ClinVar variation 549541 (VCV000549541.2), dbSNP rs776710848, ClinGen allele CA386953219.